The following is an entry in ClinVar:

ClinVar aggregate classification (germline): Likely pathogenic (1 of 4 stars; one submission).

Conditions:
CFTR-related disorder (CFTR-RD). Also called: CFTR-related disorders; CFTR-related condition. Identifiers: MedGen C5924204, MONDO:7770004.

Submission:

Natera, Inc.
Classification: Likely pathogenic for CFTR-related disorders. Last evaluated: 2025-06-04. Review status: criteria provided, single submitter. Criteria: Natera Variant Classification Schema (03/2026). Collection method: clinical testing. Allele origin: germline.
Comment: The c.71_72delinsA variant in CFTR is a frameshift variant predicted to shift the reading frame and introduce a stop codon. This variant is expected to result in nonsense mediated decay, truncation, or a dysfunctional protein product. This variant is rare in the general population with a frequency below the threshold expected for the associated phenotype(s). Given the available evidence, this variant is classified as Likely Pathogenic.

NM_000492.4(CFTR):c.71_72delinsA (p.Ile23_Leu24insTer)

Gene: CFTR (CF transmembrane conductance regulator; plus strand). Cytogenetic location: 7q31.2.
Variant type: Indel.
Coding change: c.71_72delinsA on transcript NM_000492.4 (MANE Select); coding-DNA positions 71 to 72, TG replaced by A.
Protein change: p.Ile23_Leu24insTer.
Molecular consequence: nonsense. On other transcripts: frameshift variant (1).
Genome position (GRCh38, 1-based): chr7:117,504,270-117,504,271, TG replaced by A. VCF-style: chr7-117504270-TG-A. GRCh37 (hg19) VCF-style: chr7-117144324-TG-A.
Other names: c.71_72delTGinsA, p.Leu24Terfs (NM_000492.3).
Identifiers: ClinVar variation 4818574 (VCV004818574.1).